The following is an entry in ClinVar:

NM_201384.3(PLEC):c.11628A>G (p.Pro3876=)

Gene: PLEC (plectin; minus strand). Cytogenetic location: 8q24.3.
Variant type: single nucleotide variant.
Coding change: c.11628A>G on transcript NM_201384.3 (MANE Select); coding-DNA position 11628, A replaced by G.
Protein change: p.Pro3876=; no amino-acid change (proline 3876 retained).
Molecular consequence: synonymous variant.
Genome position (GRCh38, 1-based): chr8:143,918,193, T>C on the plus strand (A>G on the coding strand, the complement: PLEC is on the minus strand). VCF-style: chr8-143918193-T-C. GRCh37 (hg19) VCF-style: chr8-144992361-T-C.
Other names: p.Pro3862=; c.11709A>G, p.Pro3903= (NM_000445.5); c.11586A>G, p.Pro3862= (NM_201378.4); c.11562A>G, p.Pro3854= (NM_201379.3); c.12039A>G, p.Pro4013= (NM_201380.4); c.11532A>G, p.Pro3844= (NM_201381.3); c.11628A>G, p.Pro3876= (NM_201382.4); c.11640A>G, p.Pro3880= (NM_201383.3).
Identifiers: ClinVar variation 93023 (VCV000093023.28), dbSNP rs7822511, ClinGen allele CA146232.

ClinVar aggregate classification (germline): Benign. Review status: criteria provided, multiple submitters, no conflicts (2 of 4 stars). 14 submissions from 10 submitters: Benign (13). 1 of the submissions does not count toward it. Last evaluated 2026-02-04.

Conditions:
Autosomal recessive limb-girdle muscular dystrophy type 2Q (LGMDR17). Also called: MUSCULAR DYSTROPHY, LIMB-GIRDLE, AUTOSOMAL RECESSIVE 17. Identifiers: Orphanet 254361, MedGen C3150989, MONDO:0013390, OMIM 613723.
Epidermolysis bullosa simplex 5C, with pyloric atresia (EBS5C). Also called: PLEC-Related Epidermolysis Bullosa with Pyloric Atresia; Epidermolysis bullosa simplex with pyloric atresia; PLEC1-Related Epidermolysis Bullosa with Pyloric Atresia. Identifiers: Orphanet 158684, MedGen C2677349, MONDO:0012807, OMIM 612138.
Epidermolysis bullosa simplex 5B, with muscular dystrophy (EBS5B). Also called: EPIDERMOLYSIS BULLOSA SIMPLEX AND LIMB-GIRDLE MUSCULAR DYSTROPHY; Epidermolysis bullosa simplex with muscular dystrophy. Identifiers: Orphanet 257, MedGen C2931072, MONDO:0009181, OMIM 226670.
Epidermolysis bullosa simplex with nail dystrophy (EBS5D). Identifiers: MedGen C4225309, MONDO:0014661, OMIM 616487.
Epidermolysis bullosa simplex, Ogna type (EBS5A). Also called: EPIDERMOLYSIS BULLOSA SIMPLEX 5A, OGNA TYPE; Pidermolysis bullosa simplex 5A, Ogna type. Identifiers: Orphanet 79401, MedGen C0432317, MONDO:0007555, OMIM 131950.

Allele frequency attached by ClinVar (database versions not stated): gnomAD exomes 0.40498 and 0.42821; ExAC 0.42749; 1000 Genomes Project 0.47823; 1000 Genomes Project 30x 0.49391; gnomAD 0.52548 and 0.53938; TOPMed 0.53668; ESP Exome Variant Server 0.56838.
gnomAD v4.1: 695,482 of 1,588,308 alleles (44%); highest among the groups gnomAD compares: African/African-American, 85%; 161,212 homozygotes.

Submissions (14):

Labcorp Genetics (formerly Invitae), Labcorp
Classification: Benign for Autosomal recessive limb-girdle muscular dystrophy type 2Q; Epidermolysis bullosa simplex, Ogna type; Epidermolysis bullosa simplex with nail dystrophy; Epidermolysis bullosa simplex 5C, with pyloric atresia; Epidermolysis bullosa simplex 5B, with muscular dystrophy. Last evaluated: 2026-02-04. Review status: criteria provided, single submitter. Criteria: Invitae Variant Classification Sherloc (09022015). Collection method: clinical testing. Allele origin: germline.

Blueprint Genetics
Classification: Benign. Last evaluated: 2024-11-27. Review status: criteria provided, single submitter. Criteria: ACMG Guidelines, 2015. Collection method: clinical testing. Allele origin: germline.

Genome-Nilou Lab
Classification: Benign for Epidermolysis bullosa simplex with nail dystrophy. Last evaluated: 2021-10-25. Review status: criteria provided, single submitter. Criteria: ACMG Guidelines, 2015. Collection method: clinical testing. Allele origin: germline. Affected: no.

Genome-Nilou Lab
Classification: Benign for Epidermolysis bullosa simplex, Ogna type. Last evaluated: 2021-10-25. Review status: criteria provided, single submitter. Criteria: ACMG Guidelines, 2015. Collection method: clinical testing. Allele origin: germline. Affected: no.

Genome-Nilou Lab
Classification: Benign for Epidermolysis bullosa simplex 5B, with muscular dystrophy. Last evaluated: 2021-10-25. Review status: criteria provided, single submitter. Criteria: ACMG Guidelines, 2015. Collection method: clinical testing. Allele origin: germline. Affected: no.

Genome-Nilou Lab
Classification: Benign for Epidermolysis bullosa simplex 5C, with pyloric atresia. Last evaluated: 2021-10-25. Review status: criteria provided, single submitter. Criteria: ACMG Guidelines, 2015. Collection method: clinical testing. Allele origin: germline. Affected: no.

Genome-Nilou Lab
Classification: Benign for Autosomal recessive limb-girdle muscular dystrophy type 2Q. Last evaluated: 2021-10-25. Review status: criteria provided, single submitter. Criteria: ACMG Guidelines, 2015. Collection method: clinical testing. Allele origin: germline. Affected: no.

Mayo Clinic Laboratories, Mayo Clinic
Classification: Benign. Last evaluated: 2017-07-24. Review status: criteria provided, single submitter. Criteria: ACMG Guidelines, 2015. Collection method: clinical testing. Allele origin: germline. Observed: 915 variant alleles.

Eurofins Ntd Llc (ga)
Classification: Benign. Last evaluated: 2016-02-12. Review status: criteria provided, single submitter. Criteria: EGL Classification Definitions 2015. Collection method: clinical testing. Allele origin: germline. Observed: 24 variant alleles, 13 heterozygotes, 11 homozygotes.

GeneDx
Classification: Benign. Last evaluated: 2015-03-03. Review status: criteria provided, single submitter. Criteria: GeneDx Variant Classification Process June 2021. Collection method: clinical testing. Allele origin: germline. Affected: yes.

Laboratory for Molecular Medicine, Mass General Brigham Personalized Medicine
Classification: Benign. Last evaluated: 2015-01-13. Review status: criteria provided, single submitter. Criteria: LMM Criteria. Collection method: clinical testing. Allele origin: germline. Observed: 9 variant alleles.
Comment: p.Pro4013Pro in exon 32 of PLEC: This variant is not expected to have clinical s ignificance because it does not alter an amino acid residue and is not located w ithin the splice consensus sequence. It has been identified in 44.4% (3423/7712) of European American chromosomes from a broad population by the NHLBI Exome Seq uencing Project (dbSNP rs7822511).

Breakthrough Genomics
Classification: Benign. Review status: criteria provided, single submitter. Criteria: ACMG Guidelines, 2015. Collection method: not provided. Allele origin: germline. Inheritance: Autosomal recessive inheritance. Affected: yes.

PreventionGenetics, part of Exact Sciences
Classification: Benign. Review status: criteria provided, single submitter. Criteria: ACMG Guidelines, 2015. Collection method: clinical testing. Allele origin: germline.

Genetic Services Laboratory, University of Chicago
Classification: Likely benign for AllHighlyPenetrant. Review status: no assertion criteria provided. Collection method: clinical testing. Allele origin: germline. Inheritance: Autosomal recessive inheritance. Not counted in ClinVar's aggregate classification.
Comment: Likely benign based on allele frequency in 1000 Genomes Project or ESP global frequency and its presence in a patient with a rare or unrelated disease phenotype. NOT Sanger confirmed.